The following is an entry in ClinVar:

ClinVar aggregate classification (germline): Uncertain significance (1 of 4 stars; one submission).

Allele frequency attached by ClinVar (database versions not stated): TOPMed 0.00001 and below 0.00001; gnomAD 0.00001.
gnomAD v4.1: 1 of 1,613,938 alleles (0.000062%); no homozygotes.

Submission:

GeneDx
Classification: Uncertain significance. Last evaluated: 2017-02-09. Review status: criteria provided, single submitter. Criteria: GeneDx Variant Classification (06012015). Collection method: clinical testing. Allele origin: germline. Affected: yes.
Comment: The Asn208Tyr variant in the SNTA1 gene has not been reported previously as a disease-causing mutation or as a benign polymorphism, to our knowledge. Asn208Tyr results in a conservative amino acid substitution of a neutral, polar residue for another at a position that is not conserved across species. In silico analysis (PolyPhen2) predicts Asn208Tyr is benign to the protein structure/function (Adzhubei IA et al., 2010). Nevertheless, the Asn208Tyr variant was not detected in up to 600 alleles from control individuals of Caucasian and African American ancestry tested at GeneDx, indicating it is not a common benign variant in these populations. However, no mutations have been reported in nearby codons, which may indicate this region of the protein is tolerant of change. With the molecular and clinical information available, we cannot determine whether the Asn208Tyr variant is a disease-causing mutation or a rare benign variant. A pathogenic role of Asn208Tyr would be supported if it has occurred de novo in an individual or co-segregates with a LQTS phenotype in the family. The variant is found in LQT panel(s).

NM_003098.3(SNTA1):c.622A>T (p.Asn208Tyr)

Gene: SNTA1 (syntrophin alpha 1; minus strand). Cytogenetic location: 20q11.21.
Variant type: single nucleotide variant.
Coding change: c.622A>T on transcript NM_003098.3 (MANE Select); coding-DNA position 622, A replaced by T.
Protein change: p.Asn208Tyr; replaces asparagine 208 with tyrosine.
Molecular consequence: missense variant.
Genome position (GRCh38, 1-based): chr20:33,417,798, T>A on the plus strand (A>T on the coding strand, the complement: SNTA1 is on the minus strand). VCF-style: chr20-33417798-T-A. GRCh37 (hg19) VCF-style: chr20-32005604-T-A.
Other names: p.N208Y:AAC>TAC; short protein forms N208Y.
Identifiers: ClinVar variation 190936 (VCV000190936.2), dbSNP rs786205849, ClinGen allele CA302333.
Genomic context (GRCh38, chr20:33,417,798, plus strand): 5'-GGGTGCACCTCTTCGAGACATATGCCATCTTCAAGGACATGTGTTTGGCCTCGCTGAAGT[T>A]CCGGGGTGTGGGGCCAGGGGAGGAAGGCTGCCGCTGAAGGGGTGAGGCAGGAGGTGAGTC-3'
Protein context (NP_003089.1, residues 198-218): QPSSPGPTPR[Asn208Tyr]FSEAKHMSLK